The following is an entry in ClinVar:

ClinVar aggregate classification (germline): Uncertain significance. Review status: criteria provided, multiple submitters, no conflicts (2 of 4 stars). 2 submissions from 2 submitters: Uncertain significance (2). Last evaluated 2024-02-05.

Conditions:
Meckel-Gruber syndrome. Also called: DYSENCEPHALIA SPLANCHNOCYSTICA; GRUBER SYNDROME; Dysencephalia splachnocystica. Identifiers: Orphanet 564, MedGen C0265215, MONDO:0018921.
Nephronophthisis. Also called: Juvenile Nephronophthisis. Identifiers: Orphanet 655, MedGen C0687120, MONDO:0019005, HP:0000090.
Joubert syndrome. Also called: CEREBELLOPARENCHYMAL DISORDER IV; JOUBERT-BOLTSHAUSER SYNDROME; Familial aplasia of the vermis. Identifiers: Orphanet 475, MedGen C5979921, MONDO:0018772.
Senior-Loken syndrome 6 (SLSN6). Identifiers: Orphanet 3156, MedGen C1857779, MONDO:0012433, OMIM 610189.
Leber congenital amaurosis 10 (LCA10). Identifiers: Orphanet 65, MedGen C1857821, MONDO:0012723, OMIM 611755.
Bardet-Biedl syndrome 14 (BBS14). Identifiers: Orphanet 110, MedGen C2673874, MONDO:0014442, OMIM 615991.
Meckel syndrome, type 4 (MKS4). Also called: MECKEL-GRUBER SYNDROME, TYPE 4. Identifiers: Orphanet 564, MedGen C1970161, MONDO:0012626, OMIM 611134.
Joubert syndrome 5 (JBTS5). Identifiers: Orphanet 2318, MedGen C1857780, MONDO:0012432, OMIM 610188.

Allele frequency attached by ClinVar (database versions not stated): gnomAD exomes 0.00001; ExAC 0.00002.
gnomAD v4.1: 3 of 1,589,670 alleles (0.00019%); highest among the groups gnomAD compares: East Asian, 0.0068%; no homozygotes.

Submissions (2):

Fulgent Genetics
Classification: Uncertain significance for Joubert syndrome 5; Senior-Loken syndrome 6; Meckel syndrome, type 4; Leber congenital amaurosis 10; Bardet-Biedl syndrome 14. Last evaluated: 2024-02-05. Review status: criteria provided, single submitter. Criteria: ACMG Guidelines, 2015. Collection method: clinical testing. Allele origin: germline.

Labcorp Genetics (formerly Invitae), Labcorp
Classification: Uncertain significance for Joubert syndrome; Meckel-Gruber syndrome; Nephronophthisis. Last evaluated: 2021-08-31. Review status: criteria provided, single submitter. Criteria: Invitae Variant Classification Sherloc (09022015). Collection method: clinical testing. Allele origin: germline.
Comment: This sequence change replaces serine with threonine at codon 2194 of the CEP290 protein (p.Ser2194Thr). The serine residue is moderately conserved and there is a small physicochemical difference between serine and threonine. This variant is present in population databases (rs768539400, ExAC 0.03%). This variant has not been reported in the literature in individuals affected with CEP290-related conditions. Algorithms developed to predict the effect of missense changes on protein structure and function (SIFT, PolyPhen-2, Align-GVGD) all suggest that this variant is likely to be tolerated. In summary, the available evidence is currently insufficient to determine the role of this variant in disease. Therefore, it has been classified as a Variant of Uncertain Significance.

NM_025114.4(CEP290):c.6580T>A (p.Ser2194Thr)

Gene: CEP290 (centrosomal protein 290; minus strand). Cytogenetic location: 12q21.32.
Variant type: single nucleotide variant.
Coding change: c.6580T>A on transcript NM_025114.4 (MANE Select); coding-DNA position 6580, T replaced by A.
Protein change: p.Ser2194Thr; replaces serine 2194 with threonine.
Molecular consequence: missense variant.
Genome position (GRCh38, 1-based): chr12:88,059,963, A>T on the plus strand (T>A on the coding strand, the complement: CEP290 is on the minus strand). VCF-style: chr12-88059963-A-T. GRCh37 (hg19) VCF-style: chr12-88453740-A-T.
Other names: short protein forms S2194T.
Identifiers: ClinVar variation 858076 (VCV000858076.7), dbSNP rs768539400, ClinGen allele CA6711469.
Genomic context (GRCh38, chr12:88,059,963, plus strand): 5'-TAAGTTCTTTACGAAGCCTTTCATTTTCAGCAATAATTTTTTCTGTGCCTTTGGTCTTGG[A>T]TTCATAGTGCATGCTCAACTGATGCCCAAGATGAGCTTTAAGTTTTTCTAATTCAGCCTA-3'
Protein context (NP_079390.3, residues 2184-2204): LGHQLSMHYE[Ser2194Thr]KTKGTEKIIA